The following is an entry in ClinVar:

ClinVar aggregate classification (germline): Uncertain significance. Review status: criteria provided, multiple submitters, no conflicts (2 of 4 stars). 3 submissions from 3 submitters: Uncertain significance (3). Last evaluated 2024-01-27.

Conditions:
Cardiovascular phenotype. Identifiers: MedGen CN230736.
Hereditary cancer-predisposing syndrome. Also called: Hereditary neoplastic syndrome; Neoplastic Syndromes, Hereditary; Tumor predisposition; Hereditary Cancer Syndrome. Identifiers: Orphanet 140162, MedGen C0027672, MeSH D009386, MONDO:0015356.
Neurofibromatosis, type 1 (NF1). Also called: VON RECKLINGHAUSEN DISEASE; Peripheral type neurofibromatosis; NEUROFIBROMATOSIS, TYPE I, SOMATIC; Neurofibromatosis, type I. Identifiers: Orphanet 636, MedGen C0027831, MONDO:0018975, OMIM 162200. Disease mechanism: loss of function.

Submissions (3):

Labcorp Genetics (formerly Invitae), Labcorp
Classification: Uncertain significance for Neurofibromatosis, type 1. Last evaluated: 2024-01-27. Review status: criteria provided, single submitter. Criteria: Invitae Variant Classification Sherloc (09022015). Collection method: clinical testing. Allele origin: germline.
Comment: This sequence change replaces methionine, which is neutral and non-polar, with valine, which is neutral and non-polar, at codon 242 of the NF1 protein (p.Met242Val). This variant is not present in population databases (gnomAD no frequency). This variant has not been reported in the literature in individuals affected with NF1-related conditions. ClinVar contains an entry for this variant (Variation ID: 484089). Advanced modeling of protein sequence and biophysical properties (such as structural, functional, and spatial information, amino acid conservation, physicochemical variation, residue mobility, and thermodynamic stability) has been performed at Invitae for this missense variant, however the output from this modeling did not meet the statistical confidence thresholds required to predict the impact of this variant on NF1 protein function. In summary, the available evidence is currently insufficient to determine the role of this variant in disease. Therefore, it has been classified as a Variant of Uncertain Significance.

Ambry Genetics
Classification: Uncertain significance for Cardiovascular phenotype; Hereditary cancer-predisposing syndrome. Last evaluated: 2023-06-08. Review status: criteria provided, single submitter. Criteria: Ambry Variant Classification Scheme 2023. Collection method: clinical testing. Allele origin: germline.
Comment: The p.M242V variant (also known as c.724A>G), located in coding exon 7 of the NF1 gene, results from an A to G substitution at nucleotide position 724. The methionine at codon 242 is replaced by valine, an amino acid with highly similar properties. This amino acid position is highly conserved in available vertebrate species. In addition, this alteration is predicted to be deleterious by in silico analysis. Since supporting evidence is limited at this time, the clinical significance of this alteration remains unclear.

Genome-Nilou Lab
Classification: Uncertain significance for Neurofibromatosis, type 1. Last evaluated: 2022-03-15. Review status: criteria provided, single submitter. Criteria: ACMG Guidelines, 2015. Collection method: clinical testing. Allele origin: germline. Affected: no.

NM_001042492.3(NF1):c.724A>G (p.Met242Val)

Gene: NF1 (neurofibromin 1; plus strand). Cytogenetic location: 17q11.2.
Variant type: single nucleotide variant.
Coding change: c.724A>G on transcript NM_001042492.3 (MANE Select); coding-DNA position 724, A replaced by G.
Protein change: p.Met242Val; replaces methionine 242 with valine.
Molecular consequence: missense variant.
Genome position (GRCh38, 1-based): chr17:31,181,779, A>G. VCF-style: chr17-31181779-A-G. GRCh37 (hg19) VCF-style: chr17-29508797-A-G.
Other names: c.724A>G, p.Met242Val (NM_000267.4, NM_001128147.3); short protein forms M242V.
Identifiers: ClinVar variation 484089 (VCV000484089.11), dbSNP rs1555608762, ClinGen allele CA398990206.